The following is an entry in ClinVar:

NM_013254.4(TBK1):c.802A>G (p.Ser268Gly)

Gene: TBK1 (TANK binding kinase 1; plus strand). Cytogenetic location: 12q14.2.
Variant type: single nucleotide variant.
Coding change: c.802A>G on transcript NM_013254.4 (MANE Select); coding-DNA position 802, A replaced by G.
Protein change: p.Ser268Gly; replaces serine 268 with glycine.
Molecular consequence: missense variant.
Genome position (GRCh38, 1-based): chr12:64,480,112, A>G. VCF-style: chr12-64480112-A-G. GRCh37 (hg19) VCF-style: chr12-64873892-A-G.
Other names: c.802A>G, p.Ser268Gly (LRG_1306t1); short protein forms S268G.
Identifiers: ClinVar variation 664607 (VCV000664607.7), dbSNP rs746971642, ClinGen allele CA6668898.
Genomic context (GRCh38, chr12:64,480,112, plus strand): 5'-GGAGTACAGAAAGCAGAAAATGGACCAATTGACTGGAGTGGAGACATGCCTGTTTCTTGC[A>G]GTCTTTCTCGGTAAGTATGGTGTACCTAATTCTCATCTTTTGCACTTTGGTGTTTGAAAT-3'
Protein context (NP_037386.1, residues 258-278): DWSGDMPVSC[Ser268Gly]LSRGLQVLLT

ClinVar aggregate classification (germline): Uncertain significance. Review status: criteria provided, multiple submitters, no conflicts (2 of 4 stars). 2 submissions from 2 submitters: Uncertain significance (2). Last evaluated 2021-08-26.

Conditions:
Encephalopathy, acute, infection-induced (herpes-specific), susceptibility to, 8. Also called: HERPES SIMPLEX ENCEPHALITIS, SUSCEPTIBILITY TO, 6. Identifiers: MedGen C4693542, MONDO:0054754, OMIM 617900.
Frontotemporal dementia and/or amyotrophic lateral sclerosis 4. Also called: FTDALS4. Identifiers: Orphanet 275872, MedGen C4225325, MONDO:0014641, OMIM 616439.

Allele frequency attached by ClinVar (database versions not stated): ExAC 0.00002; gnomAD exomes 0.00002.
gnomAD v4.1: 17 of 1,611,516 alleles (0.0011%); highest among the groups gnomAD compares: Middle Eastern, 0.22%; no homozygotes.

Submissions (2):

Labcorp Genetics (formerly Invitae), Labcorp
Classification: Uncertain significance for Frontotemporal dementia and/or amyotrophic lateral sclerosis 4. Last evaluated: 2021-08-26. Review status: criteria provided, single submitter. Criteria: Invitae Variant Classification Sherloc (09022015). Collection method: clinical testing. Allele origin: germline.
Comment: This sequence change replaces serine with glycine at codon 268 of the TBK1 protein (p.Ser268Gly). The serine residue is highly conserved and there is a small physicochemical difference between serine and glycine. This variant is present in population databases (rs746971642, ExAC 0.003%). This variant has not been reported in the literature in individuals affected with TBK1-related conditions. Algorithms developed to predict the effect of missense changes on protein structure and function (SIFT, PolyPhen-2, Align-GVGD) all suggest that this variant is likely to be tolerated. In summary, the available evidence is currently insufficient to determine the role of this variant in disease. Therefore, it has been classified as a Variant of Uncertain Significance.

CENTOGENE GmbH and LLC - Guiding Precision Medicine
Classification: Uncertain significance for Encephalopathy, acute, infection-induced (herpes-specific), susceptibility to, 8. Last evaluated: 2019-01-24. Review status: criteria provided, single submitter. Criteria: ACMG Guidelines, 2015. Collection method: clinical testing. Allele origin: germline. Affected: yes.